The following is an entry in ClinVar:

NM_001367823.1(ARHGEF18):c.2906T>G (p.Val969Gly)

Gene: ARHGEF18 (Rho/Rac guanine nucleotide exchange factor 18; plus strand). Cytogenetic location: 19p13.2.
Variant type: single nucleotide variant.
Coding change: c.2906T>G on transcript NM_001367823.1 (MANE Select); coding-DNA position 2906, T replaced by G.
Protein change: p.Val969Gly; replaces valine 969 with glycine.
Molecular consequence: missense variant.
Genome position (GRCh38, 1-based): chr19:7,466,919, T>G. VCF-style: chr19-7466919-T-G. GRCh37 (hg19) VCF-style: chr19-7531805-T-G.
Other names: c.2180T>G, p.Val727Gly (NM_001130955.2); c.1868T>G, p.Val623Gly (NM_001367824.1, NM_015318.4); short protein forms V727G, V623G, V969G.
Identifiers: ClinVar variation 1913063 (VCV001913063.5), dbSNP rs767838506, ClinGen allele CA9137034.
Genomic context (GRCh38, chr19:7,466,919, plus strand): 5'-GAGTCTAGTCGGATGGGTCTTGAGCCACTCTCTCTGGTTTGACGGTGTCCTCTTCCCAGG[T>G]GGAGGCGCCAGGCACGGAATCCGATCCCCGTCTGCCCACCGTCCTGGAGTCGGAGGTAGG-3'
Protein context (NP_001354752.1, residues 959-979): PGSSEESPQV[Val969Gly]EAPGTESDPR

ClinVar aggregate classification (germline): Uncertain significance (1 of 4 stars; one submission).

Allele frequency attached by ClinVar (database versions not stated): ExAC 0.00001; gnomAD exomes 0.00001.
gnomAD v4.1: 13 of 1,612,110 alleles (0.00081%); highest among the groups gnomAD compares: Non-Finnish European, 0.0011%; no homozygotes.

Submission:

Labcorp Genetics (formerly Invitae), Labcorp
Classification: Uncertain significance. Last evaluated: 2022-07-17. Review status: criteria provided, single submitter. Criteria: Invitae Variant Classification Sherloc (09022015). Collection method: clinical testing. Allele origin: germline.
Comment: This variant is present in population databases (rs767838506, gnomAD 0.002%). This sequence change replaces valine, which is neutral and non-polar, with glycine, which is neutral and non-polar, at codon 781 of the ARHGEF18 protein (p.Val781Gly). This variant has not been reported in the literature in individuals affected with ARHGEF18-related conditions. In summary, the available evidence is currently insufficient to determine the role of this variant in disease. Therefore, it has been classified as a Variant of Uncertain Significance. Algorithms developed to predict the effect of missense changes on protein structure and function output the following: SIFT: "Tolerated"; PolyPhen-2: "Benign"; Align-GVGD: "Class C0". The glycine amino acid residue is found in multiple mammalian species, which suggests that this missense change does not adversely affect protein function.